The following is an entry in ClinVar:

NM_000183.3(HADHB):c.446T>C (p.Val149Ala)

Gene: HADHB (hydroxyacyl-CoA dehydrogenase trifunctional multienzyme complex subunit beta; plus strand). Cytogenetic location: 2p23.3.
Variant type: single nucleotide variant.
Coding change: c.446T>C on transcript NM_000183.3 (MANE Select); coding-DNA position 446, T replaced by C.
Protein change: p.Val149Ala; replaces valine 149 with alanine.
Molecular consequence: missense variant.
Genome position (GRCh38, 1-based): chr2:26,278,617, T>C. VCF-style: chr2-26278617-T-C. GRCh37 (hg19) VCF-style: chr2-26501485-T-C.
Other names: c.401T>C, p.Val134Ala (NM_001281512.2); c.380T>C, p.Val127Ala (NM_001281513.2); short protein forms V127A, V134A, V149A.
Identifiers: ClinVar variation 1879459 (VCV001879459.29), dbSNP rs1672652689, ClinGen allele CA346092128.

ClinVar aggregate classification (germline): Uncertain significance (1 of 4 stars; one submission).

Allele frequency attached by ClinVar (database versions not stated): gnomAD exomes below 0.00001; TOPMed below 0.00001; gnomAD 0.00001.
gnomAD v4.1: 4 of 1,613,394 alleles (0.00025%); highest among the groups gnomAD compares: African/African-American, 0.0013%; no homozygotes.

Submission:

CeGaT Center for Human Genetics Tuebingen
Classification: Uncertain significance. Last evaluated: 2022-10-01. Review status: criteria provided, single submitter. Criteria: CeGaT Center For Human Genetics Tuebingen Variant Classification Criteria Version 2. Collection method: clinical testing. Allele origin: germline. Affected: yes. Observed: 1 variant allele.
Comment: HADHB: PM2:Supporting, BP4